The following is an entry in ClinVar:

NM_002474.3(MYH11):c.633+1G>A

Gene: MYH11 (myosin heavy chain 11; minus strand). Cytogenetic location: 16p13.11.
Variant type: single nucleotide variant.
Coding change: c.633+1G>A on transcript NM_002474.3 (MANE Select); the canonical splice donor site of the intron after coding-DNA position 633, G replaced by A.
Molecular consequence: splice donor variant.
Genome position (GRCh38, 1-based): chr16:15,786,629, C>T on the plus strand (G>A on the coding strand, the complement: MYH11 is on the minus strand). VCF-style: chr16-15786629-C-T. GRCh37 (hg19) VCF-style: chr16-15880486-C-T.
Other names: c.633+1G>A (NM_022844.3, NM_001040114.2, NM_001040113.2).
Identifiers: ClinVar variation 3677139 (VCV003677139.2).
Genomic context (GRCh38, chr16:15,786,629, plus strand): 5'-GGGCTGCAAGCTGGAGACCGGTTGGCTAAATCATGGCCTCTGATTGGGAACTGCCACTCA[C>T]CGTGATACTTGTGTCTTTCTTGCCCTTGTGGGAGGAGGCCACCACGGCCAGGTACTGAAT-3'

ClinVar aggregate classification (germline): Likely pathogenic (1 of 4 stars; one submission).

Conditions:
Aortic aneurysm, familial thoracic 4 (AAT4). Also called: AORTIC ANEURYSM/AORTIC DISSECTION AND PATENT DUCTUS ARTERIOSUS. Identifiers: MedGen C1851504, MONDO:0007568, OMIM 132900.

gnomAD v4.1: 2 of 1,613,940 alleles (0.00012%); highest among the groups gnomAD compares: Non-Finnish European, 0.00017%; no homozygotes.

Submission:

Labcorp Genetics (formerly Invitae), Labcorp
Classification: Likely pathogenic for Aortic aneurysm, familial thoracic 4. Last evaluated: 2024-04-03. Review status: criteria provided, single submitter. Criteria: Invitae Variant Classification Sherloc (09022015). Collection method: clinical testing. Allele origin: germline.
Comment: This sequence change affects a donor splice site in intron 5 of the MYH11 gene. It is expected to disrupt RNA splicing. Variants that disrupt the donor or acceptor splice site typically lead to a loss of protein function (PMID: 16199547), and loss-of-function variants in MYH11 are known to be pathogenic (PMID: 25407000, 29575632). This variant is not present in population databases (gnomAD no frequency). This variant has not been reported in the literature in individuals affected with MYH11-related conditions. Algorithms developed to predict the effect of sequence changes on RNA splicing suggest that this variant may disrupt the consensus splice site. In summary, the currently available evidence indicates that the variant is pathogenic, but additional data are needed to prove that conclusively. Therefore, this variant has been classified as Likely Pathogenic.

Literature cited by the submitters: PubMed 16199547; PubMed 25407000; PubMed 29575632.